The following is an entry in ClinVar:

ClinVar aggregate classification (germline): Uncertain significance (1 of 4 stars; one submission).

Submission:

Labcorp Genetics (formerly Invitae), Labcorp
Classification: Uncertain significance. Last evaluated: 2024-12-23. Review status: criteria provided, single submitter. Criteria: Invitae Variant Classification Sherloc (09022015). Collection method: clinical testing. Allele origin: germline.
Comment: This sequence change falls in intron 10 of the MICAL1 gene. It does not directly change the encoded amino acid sequence of the MICAL1 protein. This variant is present in population databases (no rsID available, gnomAD 0.02%). This variant has not been reported in the literature in individuals affected with MICAL1-related conditions. Experimental studies and prediction algorithms are not available or were not evaluated, and the effect of this variant on mRNA splicing is currently unknown. In summary, the available evidence is currently insufficient to determine the role of this variant in disease. Therefore, it has been classified as a Variant of Uncertain Significance.

NM_022765.4(MICAL1):c.1435-15_1447dup

Gene: MICAL1 (microtubule associated monooxygenase, calponin and LIM domain containing 1; minus strand). Cytogenetic location: 6q21.
Variant type: Duplication.
Coding change: c.1435-15_1447dup on transcript NM_022765.4 (MANE Select); 15 bases into the intron before coding-DNA position 1435 through coding-DNA position 1447, 28 bases duplicated (GCGGGGCTGCCTTAGGTACGAGACCTGT).
Molecular consequence: splice acceptor variant.
Genome position (GRCh38, 1-based): chr6:109,449,469-109,449,496, ACAGGTCTCGTACCTAAGGCAGCCCCGC duplicated on the plus strand (GCGGGGCTGCCTTAGGTACGAGACCTGT on the coding strand, the reverse complement: MICAL1 is on the minus strand). VCF-style (leftmost placement, unchanged base first): chr6-109449468-T-TACAGGTCTCGTACCTAAGGCAGCCCCGC. GRCh37 (hg19) VCF-style: chr6-109770671-T-TACAGGTCTCGTACCTAAGGCAGCCCCGC.
Other names: c.1492-15_1504dup (NM_001286613.2); c.1177-15_1189dup (NM_001159291.2).
Identifiers: ClinVar variation 3712482 (VCV003712482.1).
Genomic context (GRCh38, chr6:109,449,468, plus strand): 5'-GGCATCCCTGTATCTGTCTTGTCGTTGTTCCTCTGCACAGGCTCCTTGGCTAGCACATCA[T>TACAGGTCTCGTACCTAAGGCAGCCCCGC]ACAGGTCTCGTACCTAAGGCAGCCCCGCTCAGGTCTCAAGGCAGGCTGGCCACACAGCCC-3'